The following is an entry in ClinVar:

ClinVar aggregate classification (germline): Uncertain significance. Review status: criteria provided, multiple submitters, no conflicts (2 of 4 stars). 2 submissions from 2 submitters: Uncertain significance (2). Last evaluated 2025-06-07.

Conditions:
Primary ciliary dyskinesia. Also called: Ciliary dyskinesia. Identifiers: Orphanet 244, MedGen C0008780, MONDO:0016575, HP:0012265.

Allele frequency attached by ClinVar (database versions not stated): ESP Exome Variant Server 0.00008; 1000 Genomes Project 30x 0.00016; 1000 Genomes Project 0.00020.
gnomAD v4.1: 278 of 1,613,814 alleles (0.017%); highest among the groups gnomAD compares: Non-Finnish European, 0.022%; no homozygotes.

Submissions (2):

Ambry Genetics
Classification: Uncertain significance. Last evaluated: 2025-06-07. Review status: criteria provided, single submitter. Criteria: Ambry Variant Classification Scheme 2023. Collection method: clinical testing. Allele origin: germline.

Labcorp Genetics (formerly Invitae), Labcorp
Classification: Uncertain significance for Primary ciliary dyskinesia. Last evaluated: 2022-08-19. Review status: criteria provided, single submitter. Criteria: Invitae Variant Classification Sherloc (09022015). Collection method: clinical testing. Allele origin: germline.
Comment: This sequence change replaces valine, which is neutral and non-polar, with isoleucine, which is neutral and non-polar, at codon 3460 of the DNAH8 protein (p.Val3460Ile). This variant is present in population databases (rs200376058, gnomAD 0.02%). This variant has not been reported in the literature in individuals affected with DNAH8-related conditions. Algorithms developed to predict the effect of missense changes on protein structure and function output the following: SIFT: "Deleterious"; PolyPhen-2: "Not Available"; Align-GVGD: "Class C25". The isoleucine amino acid residue is found in multiple mammalian species, which suggests that this missense change does not adversely affect protein function. In summary, the available evidence is currently insufficient to determine the role of this variant in disease. Therefore, it has been classified as a Variant of Uncertain Significance.

NM_001206927.2(DNAH8):c.10378G>A (p.Val3460Ile)

Genes: DNAH8 (dynein axonemal heavy chain 8; plus strand), DNAH8-AS1 (DNAH8 antisense RNA 1; minus strand). Cytogenetic location: 6p21.2.
Variant type: single nucleotide variant.
Coding change: c.10378G>A on transcript NM_001206927.2 (MANE Select); coding-DNA position 10378, G replaced by A.
Protein change: p.Val3460Ile; replaces valine 3460 with isoleucine.
Molecular consequence: missense variant.
Genome position (GRCh38, 1-based): chr6:38,917,994, G>A. VCF-style: chr6-38917994-G-A. GRCh37 (hg19) VCF-style: chr6-38885770-G-A.
Other names: c.9727G>A, p.Val3243Ile (NM_001371.4); c.10378G>A (NM_001206927.1); short protein forms V3243I, V3460I.
Identifiers: ClinVar variation 2066932 (VCV002066932.2), dbSNP rs200376058, ClinGen allele CA3790710.